The following is an entry in ClinVar:

ClinVar aggregate classification (germline): Conflicting classifications of pathogenicity. Review status: criteria provided, conflicting classifications (1 of 4 stars). 3 submissions from 3 submitters: Likely pathogenic (2); Uncertain significance (1). Last evaluated 2025-03-07.

Conditions:
Autosomal dominant nonsyndromic hearing loss 20. Identifiers: Orphanet 90635, MedGen C1858172, MONDO:0011480, OMIM 604717.
Baraitser-winter syndrome 2. Identifiers: Orphanet 2995, MedGen C3281235, MONDO:0013812, OMIM 614583.

Allele frequency attached by ClinVar (database versions not stated): gnomAD exomes below 0.00001.
gnomAD v4.1: 1 of 1,614,014 alleles (0.000062%); highest among the groups gnomAD compares: African/African-American, 0.0013%; no homozygotes.

Submissions (3):

Human Genetics Bochum, Ruhr University Bochum
Classification: Likely pathogenic for Autosomal dominant nonsyndromic hearing loss 20; Baraitser-winter syndrome 2. Last evaluated: 2025-03-07. Review status: criteria provided, single submitter. Criteria: ACMG Guidelines, 2015. Collection method: clinical testing. Allele origin: germline. Affected: yes.
Comment: ACMG criteria used to clasify this variant: PS4_MOD, PP2_MOD, PP3_MOD, PM1_SUP, PM2_SUP

GeneDx
Classification: Likely pathogenic. Last evaluated: 2023-05-26. Review status: criteria provided, single submitter. Criteria: GeneDx Variant Classification Process June 2021. Collection method: clinical testing. Allele origin: germline. Affected: yes.
Comment: Not observed at significant frequency in large population cohorts (gnomAD); Missense variants in this gene are often considered pathogenic (HGMD); In silico analysis supports that this missense variant has a deleterious effect on protein structure/function; This variant is associated with the following publications: (PMID: 30622556, 34698053)

Institute of Human Genetics, University of Leipzig Medical Center
Classification: Uncertain significance for Autosomal dominant nonsyndromic hearing loss 20. Last evaluated: 2022-10-10. Review status: criteria provided, single submitter. Criteria: ACMG Guidelines, 2015. Collection method: clinical testing. Allele origin: unknown. Affected: yes.
Comment: _x000D_ Criteria applied: PS2_MOD, PS4_SUP, PM2_SUP, PP2

NM_001614.5(ACTG1):c.197C>T (p.Thr66Ile)

Gene: ACTG1 (actin gamma 1; minus strand). Cytogenetic location: 17q25.3.
Variant type: single nucleotide variant.
Coding change: c.197C>T on transcript NM_001614.5 (MANE Select); coding-DNA position 197, C replaced by T.
Protein change: p.Thr66Ile; replaces threonine 66 with isoleucine.
Molecular consequence: missense variant. On other transcripts: non-coding transcript variant (1).
Genome position (GRCh38, 1-based): chr17:81,512,069, G>A on the plus strand (C>T on the coding strand, the complement: ACTG1 is on the minus strand). VCF-style: chr17-81512069-G-A. GRCh37 (hg19) VCF-style: chr17-79479095-G-A.
Other names: c.197C>T (NM_001614.3); c.197C>T, p.Thr66Ile (NM_001199954.3); short protein forms T66I.
Identifiers: ClinVar variation 1712330 (VCV001712330.3), dbSNP rs2544392103, ClinGen allele CA401463196.
Genomic context (GRCh38, chr17:81,512,069, plus strand): 5'-CAGATCTTCTCCATGTCGTCCCAGTTGGTGACGATGCCATGCTCAATGGGGTACTTCAGG[G>A]TCAGGATGCCACGCTTGCTCTGGGCCTCGTCGCCCACGTAGGAGTCCTTCTGGCCCATGC-3'
Protein context (NP_001605.1, residues 56-76): DEAQSKRGIL[Thr66Ile]LKYPIEHGIV